The following is an entry in ClinVar:

ClinVar aggregate classification (germline): Conflicting classifications of pathogenicity. Review status: criteria provided, conflicting classifications (1 of 4 stars). 5 submissions from 5 submitters: Uncertain significance (3); Benign (1). 1 of the submissions does not count toward it. Last evaluated 2026-10-01.

Conditions:
Vascular dementia. Identifiers: MedGen C0011269, MeSH D015140, MONDO:0004648.
Tuberous sclerosis 2 (TSC2). Identifiers: Orphanet 805, MedGen C1860707, MONDO:0013199, OMIM 613254.
Hereditary cancer-predisposing syndrome. Also called: Hereditary Cancer Syndrome; Neoplastic Syndromes, Hereditary; Hereditary neoplastic syndrome; Tumor predisposition. Identifiers: Orphanet 140162, MedGen C0027672, MeSH D009386, MONDO:0015356.
Tuberous sclerosis syndrome (TSC). Also called: Tuberous Sclerosis Complex; Tuberous sclerosis. Identifiers: Orphanet 805, MedGen C0041341, MONDO:0001734.

Allele frequency attached by ClinVar (database versions not stated): gnomAD exomes below 0.00001; gnomAD 0.00003.
gnomAD v4.1: 3 of 1,599,254 alleles (0.00019%); highest among the groups gnomAD compares: Non-Finnish European, 0.00017%; no homozygotes.

Submissions (5):

St. Jude Molecular Pathology, St. Jude Children's Research Hospital
Classification: Uncertain significance for Tuberous sclerosis 2. Last evaluated: 2026-10-01. Review status: criteria provided, single submitter. Criteria: St. Jude Assertion Criteria 2020. Collection method: clinical testing. Allele origin: germline.
Comment: The TSC2 c.4432G>A p.(Asp1478Asn) missense change has a maximum subpopulation frequency of 0.016% in gnomAD v2.1.1. The in silico tool REVEL is inconclusive about a pathogeni c or benign effect of this variant on protein function, and to our knowledge functional studies have not been performed. This variant has not been reported in an individual with vascular cognitive impairment (PMID: 35307828). In summary, the evidence cur rently available is insufficient to determine the clinical significance of this variant. It has therefore been classified as of uncertain significance (VUS-Low).

Labcorp Genetics (formerly Invitae), Labcorp
Classification: Benign for Tuberous sclerosis 2. Last evaluated: 2024-07-01. Review status: criteria provided, single submitter. Criteria: Invitae Variant Classification Sherloc (09022015). Collection method: clinical testing. Allele origin: germline.

All of Us Research Program, National Institutes of Health
Classification: Uncertain significance for Tuberous sclerosis syndrome. Last evaluated: 2024-01-03. Review status: criteria provided, single submitter. Criteria: ACMG Guidelines, 2015. Collection method: clinical testing. Allele origin: germline. Inheritance: Autosomal dominant inheritance. Observed: 1 variant allele, 1 heterozygote.
Comment: This missense variant replaces aspartic acid with asparagine at codon 1478 of the TSC2 protein. Computational prediction suggests that this variant may not impact protein structure and function (internally defined REVEL score threshold <= 0.5, PMID: 27666373). To our knowledge, functional studies have not been reported for this variant. This variant has not been reported in individuals affected with TSC2-related disorders in the literature. This variant has not been identified in the general population by the Genome Aggregation Database (gnomAD). The available evidence is insufficient to determine the role of this variant in disease conclusively. Therefore, this variant is classified as a Variant of Uncertain Significance.

This study involves interpretation of variants in research participants for the purpose of population health screening. Participant phenotype was not available at the time of variant classification. Additional details can be found in publication PMID: 35346344, PMCID: PMC8962531

Ambry Genetics
Classification: Uncertain significance for Hereditary cancer-predisposing syndrome. Last evaluated: 2023-04-20. Review status: criteria provided, single submitter. Criteria: Ambry Variant Classification Scheme 2023. Collection method: clinical testing. Allele origin: germline.
Comment: The p.D1478N variant (also known as c.4432G>A), located in coding exon 33 of the TSC2 gene, results from a G to A substitution at nucleotide position 4432. The aspartic acid at codon 1478 is replaced by asparagine, an amino acid with highly similar properties. This amino acid position is well conserved in available vertebrate species. In addition, the in silico prediction for this alteration is inconclusive. Since supporting evidence is limited at this time, the clinical significance of this alteration remains unclear.

Myllykangas group, University of Helsinki
Classification: Uncertain significance for Vascular dementia. Last evaluated: 2021-10-01. Review status: no assertion criteria provided. Collection method: research. Allele origin: germline. Affected: yes. Not counted in ClinVar's aggregate classification.

Literature cited by the submitters: PubMed 35307828 (cited by Myllykangas group, University of Helsinki).

NM_000548.5(TSC2):c.4432G>A (p.Asp1478Asn)

Gene: TSC2 (TSC complex subunit 2; plus strand). Cytogenetic location: 16p13.3.
Variant type: single nucleotide variant.
Coding change: c.4432G>A on transcript NM_000548.5 (MANE Select); coding-DNA position 4432, G replaced by A.
Protein change: p.Asp1478Asn; replaces aspartic acid 1478 with asparagine.
Molecular consequence: missense variant.
Genome position (GRCh38, 1-based): chr16:2,084,654, G>A. VCF-style: chr16-2084654-G-A. GRCh37 (hg19) VCF-style: chr16-2134655-G-A.
Other names: c.4231G>A, p.Asp1411Asn (NM_001077183.3); c.4363G>A, p.Asp1455Asn (NM_001114382.3); c.4123G>A, p.Asp1375Asn (NM_001318827.2); c.4087G>A, p.Asp1363Asn (NM_001318829.2); c.3700G>A, p.Asp1234Asn (NM_001318831.2); c.4264G>A, p.Asp1422Asn (NM_001318832.2); c.4234G>A, p.Asp1412Asn (NM_001363528.2); c.4300G>A, p.Asp1434Asn (NM_001370404.1); and 1 more; short protein forms D1478N, D1411N, D1412N, D1435N, D1234N, D1363N, D1422N, D1434N.
Identifiers: ClinVar variation 535987 (VCV000535987.33), dbSNP rs45517343, ClinGen allele CA394302242.